The following is an entry in ClinVar:

NM_004564.3(GATB):c.28T>C (p.Cys10Arg)

Genes: GATB (glutamyl-tRNA amidotransferase subunit B; minus strand), LOC129993225 (ATAC-STARR-seq lymphoblastoid active region 22022; plus strand). Cytogenetic location: 4q31.3.
Variant type: single nucleotide variant.
Coding change: c.28T>C on transcript NM_004564.3 (MANE Select); coding-DNA position 28, T replaced by C.
Protein change: p.Cys10Arg; replaces cysteine 10 with arginine.
Molecular consequence: missense variant.
Genome position (GRCh38, 1-based): chr4:151,760,955, A>G on the plus strand (T>C on the coding strand, the complement: GATB is on the minus strand). VCF-style: chr4-151760955-A-G. GRCh37 (hg19) VCF-style: chr4-152682107-A-G.
Other names: c.28T>C, p.Cys10Arg (NM_001363341.2); short protein forms C10R.
Identifiers: ClinVar variation 2386668 (VCV002386668.3), dbSNP rs940439542, ClinGen allele CA3106044.

ClinVar aggregate classification (germline): Uncertain significance. Review status: criteria provided, multiple submitters, no conflicts (2 of 4 stars). 2 submissions from 2 submitters: Uncertain significance (2). Last evaluated 2025-07-24.

Conditions:
GATB-related disorder. Also called: GATB-related condition.

Allele frequency attached by ClinVar (database versions not stated): ExAC 0.00001; gnomAD 0.00001; TOPMed 0.00001.
gnomAD v4.1: 36 of 1,613,010 alleles (0.0022%); highest among the groups gnomAD compares: African/African-American, 0.023%; 1 homozygote.

Submissions (2):

PreventionGenetics, part of Exact Sciences
Classification: Uncertain significance for GATB-related condition. Last evaluated: 2025-07-24. Review status: criteria provided, single submitter. Criteria: ACMG Guidelines, 2015. Collection method: clinical testing. Allele origin: germline.
Comment: The GATB c.28T>C variant is predicted to result in the amino acid substitution p.Cys10Arg. To our knowledge, this variant has not been reported in the literature. This variant is reported in 0.0018% of alleles in individuals of European (Non-Finnish) descent in gnomAD. At this time, the clinical significance of this variant is uncertain due to the absence of conclusive functional and genetic evidence.

Ambry Genetics
Classification: Uncertain significance. Last evaluated: 2021-07-21. Review status: criteria provided, single submitter. Criteria: Ambry Variant Classification Scheme 2023. Collection method: clinical testing. Allele origin: germline.